The following is an entry in ClinVar:

ClinVar aggregate classification (germline): Likely benign (1 of 4 stars; one submission).

Allele frequency attached by ClinVar (database versions not stated): ExAC 0.00001; gnomAD exomes below 0.00001.
gnomAD v4.1: 1 of 1,612,094 alleles (0.000062%); highest among the groups gnomAD compares: South Asian, 0.0011%; no homozygotes.

Submission:

GeneDx
Classification: Likely benign. Last evaluated: 2017-12-22. Review status: criteria provided, single submitter. Criteria: GeneDx Variant Classification (06012015). Collection method: clinical testing. Allele origin: germline. Affected: yes.
Comment: This variant is considered likely benign or benign based on one or more of the following criteria: it is a conservative change, it occurs at a poorly conserved position in the protein, it is predicted to be benign by multiple in silico algorithms, and/or has population frequency not consistent with disease.

NM_001374385.1(ATP8B1):c.1917A>G (p.Thr639=)

Gene: ATP8B1 (ATPase phospholipid transporting 8B1; minus strand). Cytogenetic location: 18q21.31.
Variant type: single nucleotide variant.
Coding change: c.1917A>G on transcript NM_001374385.1 (MANE Select); coding-DNA position 1917, A replaced by G.
Protein change: p.Thr639=; no amino-acid change (threonine 639 retained).
Molecular consequence: synonymous variant.
Genome position (GRCh38, 1-based): chr18:57,671,483, T>C on the plus strand (A>G on the coding strand, the complement: ATP8B1 is on the minus strand). VCF-style: chr18-57671483-T-C. GRCh37 (hg19) VCF-style: chr18-55338715-T-C.
Other names: c.1767A>G, p.Thr589= (NM_001374386.1); c.1917A>G, p.Thr639= (NM_005603.6).
Identifiers: ClinVar variation 513959 (VCV000513959.1), dbSNP rs768411974, ClinGen allele CA8974435.